The following is an entry in ClinVar:

ClinVar aggregate classification (germline): Pathogenic (1 of 4 stars; one submission).

Conditions:
Myopathy, proximal, and ophthalmoplegia (CMYO6). Also called: MYOPATHY WITH CONGENITAL JOINT CONTRACTURES, OPHTHALMOPLEGIA, AND RIMMED VACUOLES; INCLUSION BODY MYOPATHY 3, AUTOSOMAL DOMINANT; CONGENITAL MYOPATHY 6 WITH OPHTHALMOPLEGIA. Identifiers: Orphanet 363677, Orphanet 79091, MedGen C1854106, MONDO:0011577, OMIM 605637.

Submission:

Labcorp Genetics (formerly Invitae), Labcorp
Classification: Pathogenic for Myopathy, proximal, and ophthalmoplegia. Last evaluated: 2019-11-13. Review status: criteria provided, single submitter. Criteria: Invitae Variant Classification Sherloc (09022015). Collection method: clinical testing. Allele origin: germline.
Comment: This sequence change creates a premature translational stop signal (p.Ala1480Profs*11) in the MYH2 gene. It is expected to result in an absent or disrupted protein product. This variant is not present in population databases (ExAC no frequency). This variant has not been reported in the literature in individuals with MYH2-related conditions. Loss-of-function variants in MYH2 are known to be pathogenic (PMID: 20418530, 23388406, 24193343). For these reasons, this variant has been classified as Pathogenic.

Literature cited by the submitters: PubMed 20418530; PubMed 23388406; PubMed 24193343.

NM_017534.6(MYH2):c.4438del (p.Ala1480fs)

Genes: MYH2 (myosin heavy chain 2; minus strand), MYHAS (myosin heavy chain gene cluster antisense RNA; plus strand), LOC126862500 (BRD4-independent group 4 enhancer GRCh37_chr17:10427829-10429028; plus strand). Cytogenetic location: 17p13.1.
Variant type: Deletion.
Coding change: c.4438del on transcript NM_017534.6 (MANE Select); coding-DNA position 4438, one base deleted (G; older notation c.4438delG).
Protein change: p.Ala1480fs; shifts the reading frame from alanine 1480.
Molecular consequence: frameshift variant.
Genome position (GRCh38, 1-based): chr17:10,525,550, C deleted on the plus strand (G on the coding strand, the reverse complement: MYH2 is on the minus strand); the first of 2 consecutive C bases (chr17:10,525,550-10,525,551); deleting either gives the same sequence. VCF-style (leftmost placement, unchanged base first): chr17-10525549-GC-G. GRCh37 (hg19) VCF-style: chr17-10428866-GC-G.
Other names: c.4438del, p.Ala1480fs (NM_001100112.2); short protein forms A1480fs.
Identifiers: ClinVar variation 959745 (VCV000959745.7), dbSNP rs2073340697, ClinGen allele CA1139665220.